The following is an entry in ClinVar:

ClinVar aggregate classification (germline): Uncertain significance (1 of 4 stars; one submission).

Submission:

GeneDx
Classification: Uncertain significance. Last evaluated: 2024-08-28. Review status: criteria provided, single submitter. Criteria: GeneDx Variant Classification Process June 2021. Collection method: clinical testing. Allele origin: germline. Affected: yes.
Comment: Not observed at significant frequency in large population cohorts (gnomAD); In silico analysis supports that this missense variant has a deleterious effect on protein structure/function; Has not been previously published as pathogenic or benign to our knowledge.

NM_145331.3(MAP3K7):c.1613C>G (p.Thr538Arg)

Gene: MAP3K7 (mitogen-activated protein kinase kinase kinase 7; minus strand). Cytogenetic location: 6q15.
Variant type: single nucleotide variant.
Coding change: c.1613C>G on transcript NM_145331.3 (MANE Select); coding-DNA position 1613, C replaced by G.
Protein change: p.Thr538Arg; replaces threonine 538 with arginine.
Molecular consequence: missense variant. On other transcripts: intron variant (2).
Genome position (GRCh38, 1-based): chr6:90,518,474, G>C on the plus strand (C>G on the coding strand, the complement: MAP3K7 is on the minus strand). VCF-style: chr6-90518474-G-C. GRCh37 (hg19) VCF-style: chr6-91228193-G-C.
Other names: c.1532C>G, p.Thr511Arg (NM_003188.4); c.1443+784C>G (NM_145333.3); c.1524+784C>G (NM_145332.3); short protein forms T511R, T538R.
Identifiers: ClinVar variation 3766310 (VCV003766310.1).